The following is an entry in ClinVar:

NM_017534.6(MYH2):c.3154A>G (p.Met1052Val)

Genes: MYH2 (myosin heavy chain 2; minus strand), MYHAS (myosin heavy chain gene cluster antisense RNA; plus strand). Cytogenetic location: 17p13.1.
Variant type: single nucleotide variant.
Coding change: c.3154A>G on transcript NM_017534.6 (MANE Select); coding-DNA position 3154, A replaced by G.
Protein change: p.Met1052Val; replaces methionine 1052 with valine.
Molecular consequence: missense variant.
Genome position (GRCh38, 1-based): chr17:10,529,445, T>C on the plus strand (A>G on the coding strand, the complement: MYH2 is on the minus strand). VCF-style: chr17-10529445-T-C. GRCh37 (hg19) VCF-style: chr17-10432762-T-C.
Other names: c.3154A>G, p.Met1052Val (NM_001100112.2); short protein forms M1052V.
Identifiers: ClinVar variation 1980063 (VCV001980063.4), dbSNP rs1390742180, ClinGen allele CA398138977.

ClinVar aggregate classification (germline): Uncertain significance (1 of 4 stars; one submission).

Conditions:
Myopathy, proximal, and ophthalmoplegia (CMYO6). Also called: CONGENITAL MYOPATHY 6 WITH OPHTHALMOPLEGIA; MYOPATHY WITH CONGENITAL JOINT CONTRACTURES, OPHTHALMOPLEGIA, AND RIMMED VACUOLES; INCLUSION BODY MYOPATHY 3, AUTOSOMAL DOMINANT. Identifiers: Orphanet 363677, Orphanet 79091, MedGen C1854106, MONDO:0011577, OMIM 605637.

Submission:

Labcorp Genetics (formerly Invitae), Labcorp
Classification: Uncertain significance for Myopathy, proximal, and ophthalmoplegia. Last evaluated: 2024-02-23. Review status: criteria provided, single submitter. Criteria: Invitae Variant Classification Sherloc (09022015). Collection method: clinical testing. Allele origin: germline.
Comment: This sequence change replaces methionine, which is neutral and non-polar, with valine, which is neutral and non-polar, at codon 1052 of the MYH2 protein (p.Met1052Val). This variant is not present in population databases (gnomAD no frequency). This variant has not been reported in the literature in individuals affected with MYH2-related conditions. ClinVar contains an entry for this variant (Variation ID: 1980063). Advanced modeling of protein sequence and biophysical properties (such as structural, functional, and spatial information, amino acid conservation, physicochemical variation, residue mobility, and thermodynamic stability) performed at Invitae indicates that this missense variant is not expected to disrupt MYH2 protein function with a negative predictive value of 80%. In summary, the available evidence is currently insufficient to determine the role of this variant in disease. Therefore, it has been classified as a Variant of Uncertain Significance.